The following is an entry in ClinVar:

NM_000420.3(KEL):c.1934C>T (p.Ala645Val)

Gene: KEL (Kell metallo-endopeptidase (Kell blood group); minus strand). Cytogenetic location: 7q34.
Variant type: single nucleotide variant.
Coding change: c.1934C>T on transcript NM_000420.3 (MANE Select); coding-DNA position 1934, C replaced by T.
Protein change: p.Ala645Val; replaces alanine 645 with valine.
Molecular consequence: missense variant.
Genome position (GRCh38, 1-based): chr7:142,942,882, G>A on the plus strand (C>T on the coding strand, the complement: KEL is on the minus strand). VCF-style: chr7-142942882-G-A. GRCh37 (hg19) VCF-style: chr7-142639969-G-A.
Other names: short protein forms A645V.
Identifiers: ClinVar variation 1185000 (VCV001185000.2), dbSNP rs147851584, ClinGen allele CA4534055.

ClinVar aggregate classification (germline): Affects (0 of 4 stars; one submission).

Conditions:
Kell blood group system (KEL). Also called: BLOOD GROUP--KELL-CELLANO SYSTEM; K(0); Ko. Identifiers: MedGen C0022546, OMIM 110900.

Allele frequency attached by ClinVar (database versions not stated): ESP Exome Variant Server 0.00008.
gnomAD v4.1: 99 of 1,614,128 alleles (0.0061%); highest among the groups gnomAD compares: East Asian, 0.029%; no homozygotes.

Submission:

Australian Red Cross Blood Service
Classification: Affects for Kell blood group system. Last evaluated: 2021-07-01. Review status: no assertion criteria provided. Collection method: research. Allele origin: inherited. Inheritance: Codominant.
Comment: has KEL*01.01 allele at heterozygous level but serology is K neg with some antisera and K pos with others. This rare nucleotide substitution (c.1934C>T) may be impacting K expression.